The following is an entry in ClinVar:

ClinVar aggregate classification (germline): Conflicting classifications of pathogenicity. Review status: criteria provided, conflicting classifications (1 of 4 stars). 3 submissions from 3 submitters: Uncertain significance (2); Likely benign (1). Last evaluated 2026-08-03.

Conditions:
RAI1-related disorder. Also called: RAI1-related condition.

Allele frequency attached by ClinVar (database versions not stated): gnomAD exomes below 0.00001; ExAC 0.00001; gnomAD 0.00001; TOPMed 0.00001.
gnomAD v4.1: 7 of 1,613,296 alleles (0.00043%); highest among the groups gnomAD compares: Admixed American, 0.0033%; no homozygotes.

Submissions (3):

PreventionGenetics, part of Exact Sciences
Classification: Uncertain significance for RAI1-related condition. Last evaluated: 2026-08-03. Review status: criteria provided, single submitter. Criteria: ACMG Guidelines, 2015. Collection method: clinical testing. Allele origin: germline.
Comment: The RAI1 c.1937A>C variant is predicted to result in the amino acid substitution p.His646Pro. To our knowledge, this variant has not been reported in the literature nor in the seven primary populations in gnomAD, indicating this variant is rare. At this time, the clinical significance of this variant is uncertain due to the absence of conclusive functional and genetic evidence.

Labcorp Genetics (formerly Invitae), Labcorp
Classification: Likely benign. Last evaluated: 2025-02-23. Review status: criteria provided, single submitter. Criteria: Invitae Variant Classification Sherloc (09022015). Collection method: clinical testing. Allele origin: germline.

Eurofins Ntd Llc (ga)
Classification: Uncertain significance. Last evaluated: 2015-01-06. Review status: criteria provided, single submitter. Criteria: EGL Classification Definitions 2015. Collection method: clinical testing. Allele origin: germline. Observed: 2 variant alleles, 2 heterozygotes.

NM_030665.4(RAI1):c.1937A>C (p.His646Pro)

Gene: RAI1 (retinoic acid induced 1; plus strand). Cytogenetic location: 17p11.2.
Variant type: single nucleotide variant.
Coding change: c.1937A>C on transcript NM_030665.4 (MANE Select); coding-DNA position 1937, A replaced by C.
Protein change: p.His646Pro; replaces histidine 646 with proline.
Molecular consequence: missense variant.
Genome position (GRCh38, 1-based): chr17:17,794,885, A>C. VCF-style: chr17-17794885-A-C. GRCh37 (hg19) VCF-style: chr17-17698199-A-C.
Other names: c.1937A>C (NM_030665.3); short protein forms H646P.
Identifiers: ClinVar variation 196530 (VCV000196530.14), dbSNP rs757197196, ClinGen allele CA243509.
Genomic context (GRCh38, chr17:17,794,885, plus strand): 5'-GGGCTGAAGCACCCAGCCTGGTCAAGGACAGCAGCAAGCCACCCTTCTCGCTGGAGAACC[A>C]CAGCGCCTGCCTGGACTCTGTGGCCAAGAGTGCGTGGCCCCGGCCTGGGGAGCCGGAGGC-3'
Protein context (NP_109590.3, residues 636-656): SSKPPFSLEN[His646Pro]SACLDSVAKS